The following is an entry in ClinVar:

NM_019109.5(ALG1):c.1257G>C (p.Gln419His)

Gene: ALG1 (ALG1 chitobiosyldiphosphodolichol beta-mannosyltransferase; plus strand). Cytogenetic location: 16p13.3.
Variant type: single nucleotide variant.
Coding change: c.1257G>C on transcript NM_019109.5 (MANE Select); coding-DNA position 1257, G replaced by C.
Protein change: p.Gln419His; replaces glutamine 419 with histidine.
Molecular consequence: missense variant.
Genome position (GRCh38, 1-based): chr16:5,083,751, G>C. VCF-style: chr16-5083751-G-C. GRCh37 (hg19) VCF-style: chr16-5133752-G-C.
Other names: c.924G>C, p.Gln308His (NM_001330504.2); short protein forms Q308H, Q419H.
Identifiers: ClinVar variation 1395385 (VCV001395385.6), dbSNP rs2142728655, ClinGen allele CA394674764.

ClinVar aggregate classification (germline): Uncertain significance (1 of 4 stars; one submission).

Conditions:
ALG1-congenital disorder of glycosylation. Also called: CONGENITAL DISORDER OF GLYCOSYLATION, TYPE Ik; CDG Ik; ALG1-CDG. Identifiers: Orphanet 79327, MedGen C2931005, MONDO:0012052, OMIM 608540.

Allele frequency attached by ClinVar (database versions not stated): gnomAD exomes below 0.00001.

Submission:

Labcorp Genetics (formerly Invitae), Labcorp
Classification: Uncertain significance for ALG1-congenital disorder of glycosylation. Last evaluated: 2021-11-27. Review status: criteria provided, single submitter. Criteria: Invitae Variant Classification Sherloc (09022015). Collection method: clinical testing. Allele origin: germline.
Comment: This sequence change replaces glutamine, which is neutral and polar, with histidine, which is basic and polar, at codon 419 of the ALG1 protein (p.Gln419His). This variant is not present in population databases (gnomAD no frequency). This variant has not been reported in the literature in individuals affected with ALG1-related conditions. Advanced modeling of protein sequence and biophysical properties (such as structural, functional, and spatial information, amino acid conservation, physicochemical variation, residue mobility, and thermodynamic stability) performed at Invitae indicates that this missense variant is expected to disrupt ALG1 protein function. In summary, the available evidence is currently insufficient to determine the role of this variant in disease. Therefore, it has been classified as a Variant of Uncertain Significance.